The following is an entry in ClinVar:

NC_000017.10:g.(?_33430267)_(33446638_?)del

Gene: RAD51D (RAD51 paralog D; minus strand). Cytogenetic location: 17q12.
Variant type: Deletion.
Identifiers: ClinVar variation 472584 (VCV000472584.2).

ClinVar aggregate classification (germline): Pathogenic (1 of 4 stars; one submission).

Conditions:
Breast-ovarian cancer, familial, susceptibility to, 4. Identifiers: Orphanet 145, MedGen C3280345, MONDO:0013669, OMIM 614291.

Submission:

Labcorp Genetics (formerly Invitae), Labcorp
Classification: Pathogenic for Breast-ovarian cancer, familial 4. Last evaluated: 2019-10-23. Review status: criteria provided, single submitter. Criteria: Invitae Variant Classification Sherloc (09022015). Collection method: clinical testing. Allele origin: germline.
Comment: This variant is a gross deletion of the genomic region encompassing exons 1-8 of the RAD51D gene, which includes the initiator codon. The 5' end of this event is unknown as it extends beyond the assayed region for this gene and therefore may encompass additional genes. The 3' boundary is likely confined to intron 8 of the RAD51D gene. This is expected to result in an absent or disrupted protein product. A deletion of exons 1-8 has not been reported in the literature in individuals with RAD51D-related disease. Loss-of-function variants in RAD51D are known to be pathogenic (PMID: 21822267). For these reasons, this variant has been classified as Pathogenic.